The following is an entry in ClinVar:

ClinVar aggregate classification (germline): Uncertain significance. Review status: criteria provided, multiple submitters, no conflicts (2 of 4 stars). 2 submissions from 2 submitters: Uncertain significance (2). Last evaluated 2025-12-23.

Conditions:
Inborn genetic diseases. Identifiers: MedGen C0950123, MeSH D030342.
Perlman syndrome (PRLMNS). Identifiers: Orphanet 2849, MedGen C0796113, MONDO:0009965, OMIM 267000.

Allele frequency attached by ClinVar (database versions not stated): gnomAD 0.00001; TOPMed 0.00001.
gnomAD v4.1: 8 of 1,613,734 alleles (0.0005%); highest among the groups gnomAD compares: East Asian, 0.0022%; no homozygotes.

Submissions (2):

Labcorp Genetics (formerly Invitae), Labcorp
Classification: Uncertain significance for Perlman syndrome. Last evaluated: 2025-12-23. Review status: criteria provided, single submitter. Criteria: Invitae Variant Classification Sherloc (09022015). Collection method: clinical testing. Allele origin: germline.
Comment: This sequence change replaces arginine, which is basic and polar, with cysteine, which is neutral and slightly polar, at codon 742 of the DIS3L2 protein (p.Arg742Cys). This variant is present in population databases (rs766597912, gnomAD 0.007%). This variant has not been reported in the literature in individuals affected with DIS3L2-related conditions. ClinVar contains an entry for this variant (Variation ID: 943932). Invitae Evidence Modeling of protein sequence and biophysical properties (such as structural, functional, and spatial information, amino acid conservation, physicochemical variation, residue mobility, and thermodynamic stability) indicates that this missense variant is not expected to disrupt DIS3L2 protein function with a negative predictive value of 80%. In summary, the available evidence is currently insufficient to determine the role of this variant in disease. Therefore, it has been classified as a Variant of Uncertain Significance.

Ambry Genetics
Classification: Uncertain significance for Inborn genetic diseases. Last evaluated: 2021-07-15. Review status: criteria provided, single submitter. Criteria: Ambry Variant Classification Scheme 2023. Collection method: clinical testing. Allele origin: germline.

NM_152383.5(DIS3L2):c.2224C>T (p.Arg742Cys)

Gene: DIS3L2 (DIS3 like 3'-5' exoribonuclease 2; plus strand). Cytogenetic location: 2q37.1.
Variant type: single nucleotide variant.
Coding change: c.2224C>T on transcript NM_152383.5 (MANE Select); coding-DNA position 2224, C replaced by T.
Protein change: p.Arg742Cys; replaces arginine 742 with cysteine.
Molecular consequence: missense variant. On other transcripts: non-coding transcript variant (2), intron variant (1).
Genome position (GRCh38, 1-based): chr2:232,334,434, C>T. VCF-style: chr2-232334434-C-T. GRCh37 (hg19) VCF-style: chr2-233199144-C-T.
Other names: c.1582-8911C>T (NM_001257281.2); short protein forms R742C.
Identifiers: ClinVar variation 943932 (VCV000943932.8), dbSNP rs766597912, ClinGen allele CA2164455.